The following is an entry in ClinVar:

NM_000063.6(C2):c.37del (p.Leu13fs)

Gene: C2 (complement C2; plus strand). Cytogenetic location: 6p21.33.
Variant type: Deletion.
Coding change: c.37del on transcript NM_000063.6 (MANE Select); coding-DNA position 37, one base deleted (C; older notation c.37delC).
Protein change: p.Leu13fs; shifts the reading frame from leucine 13.
Molecular consequence: frameshift variant. On other transcripts: 5 prime UTR variant (1), genic upstream transcript variant (2).
Genome position (GRCh38, 1-based): chr6:31,927,789, C deleted; the last of 2 consecutive C bases (chr6:31,927,788-31,927,789); deleting either gives the same sequence. VCF-style (leftmost placement, unchanged base first): chr6-31927787-TC-T. GRCh37 (hg19) VCF-style: chr6-31895564-TC-T.
Other names: c.37del, p.Leu13fs (NM_001145903.3, NM_001282459.2); c.-79del (NM_001282458.2); c.-63-5821del (NM_001282457.2); c.74-5821del (NM_001178063.3); short protein forms L13fs.
Identifiers: ClinVar variation 1452098 (VCV001452098.6), dbSNP rs1394227134, ClinGen allele CA566692572.

ClinVar aggregate classification (germline): Pathogenic (1 of 4 stars; one submission).

Submission:

Labcorp Genetics (formerly Invitae), Labcorp
Classification: Pathogenic. Last evaluated: 2021-05-13. Review status: criteria provided, single submitter. Criteria: Invitae Variant Classification Sherloc (09022015). Collection method: clinical testing. Allele origin: germline.
Comment: For these reasons, this variant has been classified as Pathogenic. This variant has not been reported in the literature in individuals with C2-related conditions. This variant is not present in population databases (ExAC no frequency). This sequence change creates a premature translational stop signal (p.Leu13Cysfs*16) in the C2 gene. It is expected to result in an absent or disrupted protein product. Loss-of-function variants in C2 are known to be pathogenic (PMID: 1577763, 9616367).

Literature cited by the submitters: PubMed 1577763; PubMed 9616367.